The following is an entry in ClinVar:

ClinVar aggregate classification (germline): Likely benign. Review status: criteria provided, multiple submitters, no conflicts (2 of 4 stars). 3 submissions from 3 submitters: Likely benign (3). Last evaluated 2025-07-29.

Conditions:
Hereditary cancer-predisposing syndrome. Also called: Neoplastic Syndromes, Hereditary; Hereditary Cancer Syndrome; Tumor predisposition; Hereditary neoplastic syndrome. Identifiers: Orphanet 140162, MedGen C0027672, MeSH D009386, MONDO:0015356.
Multiple endocrine neoplasia, type 2 (MEN2). Identifiers: Orphanet 653, MedGen C4048306, MONDO:0019003. Disease mechanism: gain of function.

gnomAD v4.1: 5 of 1,612,912 alleles (0.00031%); highest among the groups gnomAD compares: Non-Finnish European, 0.00042%; no homozygotes.

Submissions (3):

Labcorp Genetics (formerly Invitae), Labcorp
Classification: Likely benign for Multiple endocrine neoplasia, type 2. Last evaluated: 2025-07-29. Review status: criteria provided, single submitter. Criteria: Invitae Variant Classification Sherloc (09022015). Collection method: clinical testing. Allele origin: germline.

All of Us Research Program, National Institutes of Health
Classification: Likely benign for Multiple endocrine neoplasia, type 2. Last evaluated: 2023-11-30. Review status: criteria provided, single submitter. Criteria: ACMG Guidelines, 2015. Collection method: clinical testing. Allele origin: germline. Inheritance: Autosomal dominant inheritance. Observed: 3 variant alleles, 3 heterozygotes.
Comment: This study involves interpretation of variants in research participants for the purpose of population health screening. Participant phenotype was not available at the time of variant classification. Additional details can be found in publication PMID: 35346344, PMCID: PMC8962531

Ambry Genetics
Classification: Likely benign for Hereditary cancer-predisposing syndrome. Last evaluated: 2022-10-27. Review status: criteria provided, single submitter. Criteria: Ambry Variant Classification Scheme 2023. Collection method: clinical testing. Allele origin: germline.

NM_020975.6(RET):c.843C>G (p.Ala281=)

Gene: RET (ret proto-oncogene; plus strand). Cytogenetic location: 10q11.21.
Variant type: single nucleotide variant.
Coding change: c.843C>G on transcript NM_020975.6 (MANE Select); coding-DNA position 843, C replaced by G.
Protein change: p.Ala281=; no amino-acid change (alanine 281 retained).
Molecular consequence: synonymous variant. On other transcripts: intron variant (22).
Genome position (GRCh38, 1-based): chr10:43,105,169, C>G. VCF-style: chr10-43105169-C-G. GRCh37 (hg19) VCF-style: chr10-43600617-C-G.
Other names: c.843C>G, p.Ala281= (NM_000323.2, NM_001406743.1, NM_001406744.1 and 8 more transcripts); c.81C>G, p.Ala27= (NM_001355216.2); c.714C>G, p.Ala238= (NM_001406761.1, NM_001406762.1, NM_001406764.1 and 2 more transcripts); c.555C>G, p.Ala185= (NM_001406766.1, NM_001406767.1, NM_001406770.1); c.625+2540C>G (NM_001406773.1, NM_001406771.1, NM_001406782.1 and 5 more transcripts); c.496+2540C>G (NM_001406786.1, NM_001406783.1); c.338-3862C>G (NM_001406778.1, NM_001406775.1, NM_001406776.1 and 1 more transcripts); c.337+4447C>G (NM_001406790.1, NM_001406788.1, NM_001406789.1 and 1 more transcripts); and 2 more.
Identifiers: ClinVar variation 745405 (VCV000745405.15), dbSNP rs770794801, ClinGen allele CA469022769.